The following is an entry in ClinVar:

NM_000489.6(ATRX):c.278A>T (p.Asp93Val)

Gene: ATRX (ATRX chromatin remodeler; minus strand). Cytogenetic location: Xq21.1.
Variant type: single nucleotide variant.
Coding change: c.278A>T on transcript NM_000489.6 (MANE Select); coding-DNA position 278, A replaced by T.
Protein change: p.Asp93Val; replaces aspartic acid 93 with valine.
Molecular consequence: missense variant.
Genome position (GRCh38, 1-based): chrX:77,696,669, T>A on the plus strand (A>T on the coding strand, the complement: ATRX is on the minus strand). VCF-style: chrX-77696669-T-A. GRCh37 (hg19) VCF-style: chrX-76952157-T-A.
Other names: c.278A>T, p.Asp93Val (NM_138270.5); short protein forms D93V.
Identifiers: ClinVar variation 424057 (VCV000424057.16), dbSNP rs1064796774, ClinGen allele CA16621509.
Genomic context (GRCh38, chrX:77,696,669, plus strand): 5'-TCTGAATTTTCATTAGACGCATCTTCATTTACAGTTTCATCATCCAAAGGTTTTTCATCA[T>A]CTGATTCTACATACTTTGTTACAATTGAAGGTTTCCTATGAAAGAATTAAGTTCATAGAA-3'
Protein context (NP_000480.3, residues 83-103): PSIVTKYVES[Asp93Val]DEKPLDDETV

ClinVar aggregate classification (germline): Conflicting classifications of pathogenicity. Review status: criteria provided, conflicting classifications (1 of 4 stars). 4 submissions from 4 submitters: Uncertain significance (2); Likely benign (1). 1 of the submissions does not count toward it. Last evaluated 2025-08-12.

Conditions:
Alpha thalassemia-X-linked intellectual disability syndrome (ATRX). Also called: ALPHA-THALASSEMIA/MENTAL RETARDATION SYNDROME, X-LINKED; X-linked alpha-thalassemia-mental retardation syndrome; ATR-X syndrome; Alpha thalassemia mental retardation syndrome, nondeletion type, X-linked; XLMR hypotonic face syndrome; ATR, NONDELETION TYPE. Identifiers: Orphanet 847, MedGen C1845055, MONDO:0010519, OMIM 301040.
Inborn genetic diseases. Identifiers: MedGen C0950123, MeSH D030342.

Allele frequency attached by ClinVar (database versions not stated): TOPMed below 0.00001; gnomAD exomes 0.00001.
gnomAD v4.1: 1 of 1,199,048 alleles (0.000083%); highest among the groups gnomAD compares: Admixed American, 0.0022%; no homozygotes.

Submissions (4):

Ambry Genetics
Classification: Uncertain significance for Inborn genetic diseases. Last evaluated: 2025-08-12. Review status: criteria provided, single submitter. Criteria: Ambry Variant Classification Scheme 2023. Collection method: clinical testing. Allele origin: germline.

Labcorp Genetics (formerly Invitae), Labcorp
Classification: Likely benign for Alpha thalassemia-X-linked intellectual disability syndrome. Last evaluated: 2025-02-17. Review status: criteria provided, single submitter. Criteria: Invitae Variant Classification Sherloc (09022015). Collection method: clinical testing. Allele origin: germline.

GeneDx
Classification: Uncertain significance. Last evaluated: 2017-03-09. Review status: criteria provided, single submitter. Criteria: GeneDx Variant Classification (06012015). Collection method: clinical testing. Allele origin: germline. Affected: yes.
Comment: The D93V variant in the ATRX gene has not been reported previously as a pathogenic variant, nor as a benign variant, to our knowledge. The D93V variant is not observed in large population cohorts (Lek et al., 2016; 1000 Genomes Consortium et al., 2015; Exome Variant Server). The D93V variant is a non-conservative amino acid substitution, which is likely to impact secondary protein structure as these residues differ in polarity, charge, size and/or other properties. In addition, this substitution occurs at a position that is conserved across species, and in silico analysis predicts this variant is probably damaging to the protein structure/function. We interpret D93V as a variant of uncertain significance.

Natera, Inc.
Classification: Uncertain significance for X-linked alpha-thalassemia-mental retardation syndrome. Last evaluated: 2020-10-21. Review status: no assertion criteria provided. Collection method: clinical testing. Allele origin: germline. Not counted in ClinVar's aggregate classification.